The following is an entry in ClinVar:

ClinVar aggregate classification (germline): Uncertain significance (1 of 4 stars; one submission).

Submission:

GeneDx
Classification: Uncertain significance. Last evaluated: 2022-03-18. Review status: criteria provided, single submitter. Criteria: GeneDx Variant Classification Process June 2021. Collection method: clinical testing. Allele origin: germline. Affected: yes.
Comment: Not observed at significant frequency in large population cohorts (gnomAD); In silico analysis supports that this missense variant has a deleterious effect on protein structure/function; Has not been previously published as pathogenic or benign to our knowledge

NM_001378454.1(ALMS1):c.7603G>A (p.Asp2535Asn)

Gene: ALMS1 (ALMS1 centrosome and basal body associated protein; plus strand). Cytogenetic location: 2p13.1.
Variant type: single nucleotide variant.
Coding change: c.7603G>A on transcript NM_001378454.1 (MANE Select); coding-DNA position 7603, G replaced by A.
Protein change: p.Asp2535Asn; replaces aspartic acid 2535 with asparagine.
Molecular consequence: missense variant.
Genome position (GRCh38, 1-based): chr2:73,455,224, G>A. VCF-style: chr2-73455224-G-A. GRCh37 (hg19) VCF-style: chr2-73682351-G-A.
Other names: c.7606G>A, p.Asp2536Asn (NM_015120.4); short protein forms D2535N, D2536N.
Identifiers: ClinVar variation 1706268 (VCV001706268.2), dbSNP rs2466115690, ClinGen allele CA347293059.
Genomic context (GRCh38, chr2:73,455,224, plus strand): 5'-TGGAATATGAAGTTCAATTTAGCACATGATTGTGGATACTCCATTTCAGAATTAAATGAA[G>A]ATGACAGGAGGAAAGTAGAAGAGATCAAGGCAGAGTTATTTGGTCATGGAAGAACAACTG-3'
Protein context (NP_001365383.1, residues 2525-2545): CGYSISELNE[Asp2535Asn]DRRKVEEIKA